The following is an entry in ClinVar:

NM_003000.3(SDHB):c.35G>T (p.Arg12Leu)

Gene: SDHB (succinate dehydrogenase complex iron sulfur subunit B; minus strand). Cytogenetic location: 1p36.13.
Variant type: single nucleotide variant.
Coding change: c.35G>T on transcript NM_003000.3 (MANE Select); coding-DNA position 35, G replaced by T.
Protein change: p.Arg12Leu; replaces arginine 12 with leucine.
Molecular consequence: missense variant.
Genome position (GRCh38, 1-based): chr1:17,053,985, C>A on the plus strand (G>T on the coding strand, the complement: SDHB is on the minus strand). VCF-style: chr1-17053985-C-A. GRCh37 (hg19) VCF-style: chr1-17380480-C-A.
Other names: short protein forms R12L.
Identifiers: ClinVar variation 947750 (VCV000947750.11), dbSNP rs1293365726, ClinGen allele CA338230816.

ClinVar aggregate classification (germline): Uncertain significance. Review status: criteria provided, multiple submitters, no conflicts (2 of 4 stars). 3 submissions from 3 submitters: Uncertain significance (3). Last evaluated 2025-05-27.

Conditions:
Gastrointestinal stromal tumor. Also called: Gastrointestinal stromal tumor, somatic; Gastrointestinal stroma tumor. Identifiers: Orphanet 44890, MedGen C0238198, MeSH D046152, MONDO:0011719, OMIM 606764, HP:0100723.
Pheochromocytoma/paraganglioma syndrome 4. Also called: CAROTID BODY TUMORS AND MULTIPLE EXTRAADRENAL PHEOCHROMOCYTOMAS; SDHB-Related Hereditary Paraganglioma-Pheochromocytoma Syndrome; Paragangliomas 4; SDHB-Related Hereditary Paraganglioma-Pheochromocytoma Syndrome (Paragangliomas 4); PARAGANGLIOMA, FAMILIAL MALIGNANT; PARAGANGLIOMAS, HEREDITARY EXTRAADRENAL. Identifiers: Orphanet 29072, MedGen C1861848, MONDO:0007273, OMIM 115310.
Pheochromocytoma. Also called: MAX-Related Hereditary Paraganglioma-Pheochromocytoma Syndrome. Identifiers: Orphanet 29072, MedGen C0031511, MONDO:0008233, OMIM 171300, HP:0002666.
Hereditary cancer-predisposing syndrome. Also called: Hereditary neoplastic syndrome; Neoplastic Syndromes, Hereditary; Hereditary Cancer Syndrome; Tumor predisposition. Identifiers: Orphanet 140162, MedGen C0027672, MeSH D009386, MONDO:0015356.

gnomAD v4.1: 1 of 1,613,124 alleles (0.000062%); highest among the groups gnomAD compares: Non-Finnish European, 0.000085%; no homozygotes.

Submissions (3):

Labcorp Genetics (formerly Invitae), Labcorp
Classification: Uncertain significance for Gastrointestinal stromal tumor; Pheochromocytoma/paraganglioma syndrome 4; Pheochromocytoma. Last evaluated: 2025-05-27. Review status: criteria provided, single submitter. Criteria: Invitae Variant Classification Sherloc (09022015). Collection method: clinical testing. Allele origin: germline.
Comment: This sequence change replaces arginine, which is basic and polar, with leucine, which is neutral and non-polar, at codon 12 of the SDHB protein (p.Arg12Leu). This variant is not present in population databases (gnomAD no frequency). This variant has not been reported in the literature in individuals affected with SDHB-related conditions. ClinVar contains an entry for this variant (Variation ID: 947750). Invitae Evidence Modeling of protein sequence and biophysical properties (such as structural, functional, and spatial information, amino acid conservation, physicochemical variation, residue mobility, and thermodynamic stability) indicates that this missense variant is not expected to disrupt SDHB protein function with a negative predictive value of 95%. In summary, the available evidence is currently insufficient to determine the role of this variant in disease. Therefore, it has been classified as a Variant of Uncertain Significance.

Ambry Genetics
Classification: Uncertain significance for Hereditary cancer-predisposing syndrome. Last evaluated: 2022-03-15. Review status: criteria provided, single submitter. Criteria: Ambry Variant Classification Scheme 2023. Collection method: clinical testing. Allele origin: germline.
Comment: The p.R12L variant (also known as c.35G>T), located in coding exon 1 of the SDHB gene, results from a G to T substitution at nucleotide position 35. The arginine at codon 12 is replaced by leucine, an amino acid with dissimilar properties. This amino acid position is conserved. In addition, the in silico prediction for this alteration is inconclusive. Since supporting evidence is limited at this time, the clinical significance of this alteration remains unclear.

GeneDx
Classification: Uncertain significance. Last evaluated: 2021-01-18. Review status: criteria provided, single submitter. Criteria: GeneDx Variant Classification Process June 2021. Collection method: clinical testing. Allele origin: germline. Affected: yes.
Comment: Not observed in large population cohorts (Lek et al., 2016); In silico analysis supports that this missense variant does not alter protein structure/function; Has not been previously published as pathogenic or benign to our knowledge